The following is an entry in ClinVar:

ClinVar aggregate classification (germline): Uncertain significance. Review status: criteria provided, multiple submitters, no conflicts (2 of 4 stars). 2 submissions from 2 submitters: Uncertain significance (2). Last evaluated 2024-06-04.

Conditions:
Saldino-Mainzer syndrome (SRTD9). Also called: Renal dysplasia, retinal pigmentary dystrophy, cerebellar ataxia and skeletal dysplasia; CONORENAL SYNDROME; SHORT-RIB THORACIC DYSPLASIA 9 WITHOUT POLYDACTYLY; short-rib thoracic dysplasia 9 with or without polydactyly. Identifiers: Orphanet 140969, MedGen C1849437, MONDO:0009964, OMIM 266920.
Retinitis pigmentosa 80 (RP80). Identifiers: MedGen C4540439, MONDO:0054708, OMIM 617781.

Allele frequency attached by ClinVar (database versions not stated): gnomAD exomes below 0.00001; TOPMed 0.00002.
gnomAD v4.1: 1 of 1,614,172 alleles (0.000062%); highest among the groups gnomAD compares: Non-Finnish European, 0.000085%; no homozygotes.

Submissions (2):

Fulgent Genetics
Classification: Uncertain significance for Saldino-Mainzer syndrome; Retinitis pigmentosa 80. Last evaluated: 2024-06-04. Review status: criteria provided, single submitter. Criteria: ACMG Guidelines, 2015. Collection method: clinical testing. Allele origin: germline.

Labcorp Genetics (formerly Invitae), Labcorp
Classification: Uncertain significance for Saldino-Mainzer syndrome. Last evaluated: 2021-09-24. Review status: criteria provided, single submitter. Criteria: Invitae Variant Classification Sherloc (09022015). Collection method: clinical testing. Allele origin: germline.
Comment: This sequence change replaces isoleucine with valine at codon 1375 of the IFT140 protein (p.Ile1375Val). The isoleucine residue is weakly conserved and there is a small physicochemical difference between isoleucine and valine. This variant is not present in population databases (ExAC no frequency). This variant has not been reported in the literature in individuals with IFT140-related conditions. Algorithms developed to predict the effect of missense changes on protein structure and function output the following: SIFT: "Tolerated"; PolyPhen-2: "Benign"; Align-GVGD: "Class C0". The valine amino acid residue is found in multiple mammalian species, suggesting that this missense change does not adversely affect protein function. These predictions have not been confirmed by published functional studies and their clinical significance is uncertain. In summary, the available evidence is currently insufficient to determine the role of this variant in disease. Therefore, it has been classified as a Variant of Uncertain Significance.

NM_014714.4(IFT140):c.4123A>G (p.Ile1375Val)

Gene: IFT140 (intraflagellar transport 140; minus strand). Cytogenetic location: 16p13.3.
Variant type: single nucleotide variant.
Coding change: c.4123A>G on transcript NM_014714.4 (MANE Select); coding-DNA position 4123, A replaced by G.
Protein change: p.Ile1375Val; replaces isoleucine 1375 with valine.
Molecular consequence: missense variant.
Genome position (GRCh38, 1-based): chr16:1,518,275, T>C on the plus strand (A>G on the coding strand, the complement: IFT140 is on the minus strand). VCF-style: chr16-1518275-T-C. GRCh37 (hg19) VCF-style: chr16-1568276-T-C.
Other names: short protein forms I1375V.
Identifiers: ClinVar variation 1500928 (VCV001500928.6), dbSNP rs1258339035, ClinGen allele CA394223669.